The following is an entry in ClinVar:

NM_001122630.2(CDKN1C):c.438_449del (p.144_145AP[3])

Gene: CDKN1C (cyclin dependent kinase inhibitor 1C; minus strand). Cytogenetic location: 11p15.4.
Variant type: Deletion.
Coding change: c.438_449del on transcript NM_001122630.2 (MANE Select); coding-DNA positions 438 to 449, 12 bases deleted (CCCGGCCCCGGC).
Protein change: p.144_145AP[3].
Molecular consequence: inframe deletion. On other transcripts: intron variant (1).
Genome position (GRCh38, 1-based): chr11:2,885,008-2,885,019, GCCGGGGCCGGG deleted on the plus strand (CCCGGCCCCGGC on the coding strand, the reverse complement: CDKN1C is on the minus strand); deleting any 12 consecutive bases within chr11:2,885,008-2,885,021 gives the same sequence; the c. name uses the placement nearest the transcript's 3' end. VCF-style (leftmost placement, unchanged base first): chr11-2885007-AGCCGGGGCCGGG-A. GRCh37 (hg19) VCF-style: chr11-2906237-AGCCGGGGCCGGG-A.
Other names: c.471_482del, p.155_156AP[3] (NM_000076.2, NM_001362474.2); c.438_449del, p.144_145AP[3] (NM_001122631.2); c.255+183_255+194del (NM_001362475.2); c.471_482delCCCGGCCCCGGC (NM_000076.2); c.471_482del12 (NM_000076.2).
Identifiers: ClinVar variation 709762 (VCV000709762.12), dbSNP rs1301544231, ClinGen allele CA915947954.

ClinVar aggregate classification (germline): Conflicting classifications of pathogenicity. Review status: criteria provided, conflicting classifications (1 of 4 stars). 3 submissions from 3 submitters: Uncertain significance (2); Likely benign (1). Last evaluated 2025-08-13.

Conditions:
Inborn genetic diseases. Identifiers: MedGen C0950123, MeSH D030342.
IMAGe syndrome. Also called: Intrauterine growth retardation, metaphyseal dysplasia, adrenal hypoplasia congenita, and genital anomalies; Intrauterine Growth Restriction, Metaphyseal Dysplasia, Adrenal Hypoplasia Congenita, and Genital Anomalies. Identifiers: Orphanet 85173, MedGen C1846009, MONDO:0013873, OMIM 614732.
Beckwith-Wiedemann syndrome (BWS). Also called: EMG SYNDROME; Exomphalos macroglossia gigantism syndrome. Identifiers: Orphanet 116, MedGen C0004903, MONDO:0007534, OMIM 130650.

Submissions (3):

Labcorp Genetics (formerly Invitae), Labcorp
Classification: Likely benign for Beckwith-Wiedemann syndrome. Last evaluated: 2025-08-13. Review status: criteria provided, single submitter. Criteria: Invitae Variant Classification Sherloc (09022015). Collection method: clinical testing. Allele origin: germline.

Fulgent Genetics
Classification: Uncertain significance for Beckwith-Wiedemann syndrome; IMAGe syndrome. Last evaluated: 2024-05-06. Review status: criteria provided, single submitter. Criteria: ACMG Guidelines, 2015. Collection method: clinical testing. Allele origin: germline.

Ambry Genetics
Classification: Uncertain significance for Inborn genetic diseases. Last evaluated: 2024-01-03. Review status: criteria provided, single submitter. Criteria: Ambry Variant Classification Scheme 2023. Collection method: clinical testing. Allele origin: germline.
Comment: The c.471_482del12 (p.A161_P164del) alteration is located in exon 1 (coding exon 1) of the CDKN1C gene. This alteration consists of an in-frame deletion of 12 nucleotides between nucleotide positions c.471 and c.482, resulting in the deletion of 4 residues. Based on insufficient or conflicting evidence, the clinical significance of this alteration remains unclear.

Literature cited by the submitters: PubMed 36315513 (cited by Ambry Genetics).